The following is an entry in ClinVar:

NM_024675.4(PALB2):c.2607C>A (p.Ser869=)

Gene: PALB2 (partner and localizer of BRCA2; minus strand). Cytogenetic location: 16p12.2.
Variant type: single nucleotide variant.
Coding change: c.2607C>A on transcript NM_024675.4 (MANE Select); coding-DNA position 2607, C replaced by A.
Protein change: p.Ser869=; no amino-acid change (serine 869 retained).
Molecular consequence: synonymous variant.
Genome position (GRCh38, 1-based): chr16:23,626,377, G>T on the plus strand (C>A on the coding strand, the complement: PALB2 is on the minus strand). VCF-style: chr16-23626377-G-T. GRCh37 (hg19) VCF-style: chr16-23637698-G-T.
Other names: p.S869S:TCC>TCA.
Identifiers: ClinVar variation 182747 (VCV000182747.23), dbSNP rs45542234, ClinGen allele CA299677.
Genomic context (GRCh38, chr16:23,626,377, plus strand): 5'-AGTTATGATACATGGCTCTTTACAACCGGCTCTTTCCCAAAACATGGCACTCACATCTAC[G>T]GAACAGGAACCTGAAGGATTCTGACACAATGGCAACAGTTCTGTTAAAGTGGCACTCGAG-3'
Protein context (NP_078951.2, residues 859-879): SELKNPSGSC[Ser869=]VDVSAMFWER

ClinVar aggregate classification (germline): Benign/Likely benign. Review status: criteria provided, multiple submitters, no conflicts (2 of 4 stars). 8 submissions from 8 submitters: Benign (2); Likely benign (6). Last evaluated 2026-02-03.

Conditions:
Hereditary cancer-predisposing syndrome. Also called: Tumor predisposition; Hereditary Cancer Syndrome; Hereditary neoplastic syndrome; Neoplastic Syndromes, Hereditary. Identifiers: Orphanet 140162, MedGen C0027672, MeSH D009386, MONDO:0015356.
Familial cancer of breast. Also called: BREAST CANCER, FAMILIAL; Hereditary breast cancer; hereditary breast carcinoma. Identifiers: Orphanet 227535, MedGen C0346153, MONDO:0016419, OMIM 114480. Disease mechanism: loss of function.

Allele frequency attached by ClinVar (database versions not stated): TOPMed 0.00007.
gnomAD v4.1: 97 of 1,613,946 alleles (0.006%); highest among the groups gnomAD compares: Non-Finnish European, 0.0077%; no homozygotes.

Submissions (9):

Labcorp Genetics (formerly Invitae), Labcorp
Classification: Likely benign for Familial cancer of breast. Last evaluated: 2026-02-03. Review status: criteria provided, single submitter. Criteria: Invitae Variant Classification Sherloc (09022015). Collection method: clinical testing. Allele origin: germline.

Center for Genomic Medicine, Rigshospitalet, Copenhagen University Hospital
Classification: Likely benign. Last evaluated: 2025-12-29. Review status: criteria provided, single submitter. Criteria: ACMG Guidelines, 2015. Collection method: clinical testing. Allele origin: germline.

Myriad Genetics, Inc.
Classification: Benign for Familial cancer of breast. Last evaluated: 2025-01-17. Review status: criteria provided, single submitter. Criteria: Myriad Autosomal Dominant, Autosomal Recessive and X-Linked Classification Criteria (2023). Collection method: clinical testing. Allele origin: unknown.
Comment: This variant is considered benign. This variant is a silent/synonymous amino acid change and it is not expected to impact splicing.

Women's Health and Genetics/Laboratory Corporation of America, LabCorp
Classification: Likely benign. Last evaluated: 2019-08-29. Review status: criteria provided, single submitter. Criteria: LabCorp Variant Classification Summary - May 2015. Collection method: clinical testing. Allele origin: germline.

PreventionGenetics, part of Exact Sciences
Classification: Likely benign. Last evaluated: 2017-10-26. Review status: criteria provided, single submitter. Criteria: ACMG Guidelines, 2015. Collection method: clinical testing. Allele origin: germline.

Color Diagnostics, LLC DBA Color Health
Classification: Likely benign for Hereditary cancer-predisposing syndrome. Last evaluated: 2016-08-08. Review status: criteria provided, single submitter. Criteria: ACMG Guidelines, 2015. Collection method: clinical testing. Allele origin: germline.

Ambry Genetics
Classification: Likely benign for Hereditary cancer-predisposing syndrome. Last evaluated: 2015-05-13. Review status: criteria provided, single submitter. Criteria: Ambry Variant Classification Scheme 2023. Collection method: clinical testing. Allele origin: germline.

GeneDx
Classification: Benign. Last evaluated: 2014-08-13. Review status: criteria provided, single submitter. Criteria: GeneDx Variant Classification (06012015). Collection method: clinical testing. Allele origin: germline. Affected: yes.
Comment: This variant is considered likely benign or benign based on one or more of the following criteria: it is a conservative change, it occurs at a poorly conserved position in the protein, it is predicted to be benign by multiple in silico algorithms, and/or has population frequency not consistent with disease.

Dr. Peter K. Rogan Lab, Western University
No classification provided (evidence only). Condition: Papillary renal cell carcinoma type 1. Review status: no classification provided. Collection method: in vitro. Allele origin: not applicable. Functional consequence: retained intron. Not counted in ClinVar's aggregate classification.